The following is an entry in ClinVar:

ClinVar aggregate classification (germline): Uncertain significance (1 of 4 stars; one submission).

Submission:

GeneDx
Classification: Uncertain significance. Last evaluated: 2019-10-17. Review status: criteria provided, single submitter. Criteria: GeneDx Variant Classification Process June 2021. Collection method: clinical testing. Allele origin: germline. Affected: yes.
Comment: Not observed in large population cohorts (Lek et al., 2016); Frameshift variant predicted to result in protein truncation as the last 144 amino acids are lost and replaced with 17 incorrect amino acids, although loss-of-function variants have not been reported downstream of this position in the protein; Has not been previously published as pathogenic or benign to our knowledge; Variants in candidate genes are classified as variants of uncertain significance in accordance with ACMG guidelines (Richards et al., 2015)

NM_015355.4(SUZ12):c.1786del (p.Thr596fs)

Gene: SUZ12 (SUZ12 polycomb repressive complex 2 subunit; plus strand). Cytogenetic location: 17q11.2.
Variant type: Deletion.
Coding change: c.1786del on transcript NM_015355.4 (MANE Select); coding-DNA position 1786, one base deleted (A; older notation c.1786delA).
Protein change: p.Thr596fs; shifts the reading frame from threonine 596.
Molecular consequence: frameshift variant.
Genome position (GRCh38, 1-based): chr17:31,995,754, A deleted; the last of 6 consecutive A bases (chr17:31,995,749-31,995,754); deleting any one gives the same sequence. VCF-style (leftmost placement, unchanged base first): chr17-31995748-GA-G. GRCh37 (hg19) VCF-style: chr17-30322767-GA-G.
Other names: c.1717del, p.Thr573fs (NM_001321207.2); short protein forms T573fs, T596fs.
Identifiers: ClinVar variation 1309323 (VCV001309323.2), dbSNP rs2142217600, ClinGen allele CA2573054406.